The following is an entry in ClinVar:

ClinVar aggregate classification (germline): Likely benign (0 of 4 stars; one submission).

Conditions:
DCHS2-related disorder. Also called: DCHS2-related condition.

Allele frequency attached by ClinVar (database versions not stated): ExAC 0.00005; 1000 Genomes Project 0.00020; TOPMed 0.00029; 1000 Genomes Project 30x 0.00031.
gnomAD v4.1: 171 of 1,551,662 alleles (0.011%); highest among the groups gnomAD compares: Admixed American, 0.33%; 2 homozygotes.

Submission:

PreventionGenetics, part of Exact Sciences
Classification: Likely benign for DCHS2-related condition. Last evaluated: 2022-05-20. Review status: no assertion criteria provided. Collection method: clinical testing. Allele origin: germline.
Comment: This variant is classified as likely benign based on ACMG/AMP sequence variant interpretation guidelines (Richards et al. 2015 PMID: 25741868, with internal and published modifications).

NM_001358235.2(DCHS2):c.510C>G (p.Asp170Glu)

Gene: DCHS2 (dachsous cadherin-related 2; minus strand). Cytogenetic location: 4q31.3.
Variant type: single nucleotide variant.
Coding change: c.510C>G on transcript NM_001358235.2 (MANE Select); coding-DNA position 510, C replaced by G.
Protein change: p.Asp170Glu; replaces aspartic acid 170 with glutamic acid.
Molecular consequence: missense variant.
Genome position (GRCh38, 1-based): chr4:154,490,846, G>C on the plus strand (C>G on the coding strand, the complement: DCHS2 is on the minus strand). VCF-style: chr4-154490846-G-C. GRCh37 (hg19) VCF-style: chr4-155411998-G-C.
Other names: c.510C>G, p.Asp170Glu (NM_001142552.2, NM_001412223.1); short protein forms D170E.
Identifiers: ClinVar variation 3052961 (VCV003052961.2), dbSNP rs556210008, ClinGen allele CA3113897.
Genomic context (GRCh38, chr4:154,490,846, plus strand): 5'-AACTGGCAGGCGGAAGGCGGTCCCTGGCGGGCTGAGCTCGGAGACGTCGAGTTGCAGGGA[G>C]TCGAGGGGAAAGCGGGGCGAGTGGTCATTCACGTCGTTGACGCGAATCTCCACCTGCACC-3'
Protein context (NP_001345164.1, residues 160-180): VNDHSPRFPL[Asp170Glu]SLQLDVSELS